The following is an entry in ClinVar:

ClinVar aggregate classification (germline): Uncertain significance. Review status: criteria provided, multiple submitters, no conflicts (2 of 4 stars). 2 submissions from 2 submitters: Uncertain significance (2). Last evaluated 2023-12-07.

Conditions:
Inborn genetic diseases. Identifiers: MedGen C0950123, MeSH D030342.
Glycogen storage disease IXc (GSD9C). Also called: GSD IXc. Identifiers: Orphanet 264580, MedGen C2751643, MONDO:0013091, OMIM 613027.

Allele frequency attached by ClinVar (database versions not stated): TOPMed 0.00001.

Submissions (2):

Labcorp Genetics (formerly Invitae), Labcorp
Classification: Uncertain significance for Glycogen storage disease IXc. Last evaluated: 2023-12-07. Review status: criteria provided, single submitter. Criteria: Invitae Variant Classification Sherloc (09022015). Collection method: clinical testing. Allele origin: germline.
Comment: This sequence change replaces glutamic acid, which is acidic and polar, with aspartic acid, which is acidic and polar, at codon 213 of the PHKG2 protein (p.Glu213Asp). This variant is present in population databases (no rsID available, gnomAD 0.003%). This variant has not been reported in the literature in individuals affected with PHKG2-related conditions. ClinVar contains an entry for this variant (Variation ID: 2399337). Advanced modeling of protein sequence and biophysical properties (such as structural, functional, and spatial information, amino acid conservation, physicochemical variation, residue mobility, and thermodynamic stability) performed at Invitae indicates that this missense variant is expected to disrupt PHKG2 protein function with a positive predictive value of 80%. In summary, the available evidence is currently insufficient to determine the role of this variant in disease. Therefore, it has been classified as a Variant of Uncertain Significance.

Ambry Genetics
Classification: Uncertain significance for Inborn genetic diseases. Last evaluated: 2020-12-28. Review status: criteria provided, single submitter. Criteria: Ambry Variant Classification Scheme 2023. Collection method: clinical testing. Allele origin: germline.
Comment: The c.639G>T (p.E213D) alteration is located in exon 7 (coding exon 6) of the PHKG2 gene. This alteration results from a G to T substitution at nucleotide position 639, causing the glutamic acid (E) at amino acid position 213 to be replaced by an aspartic acid (D). The p.E213D alteration is predicted to be tolerated by in silico analysis. Based on insufficient or conflicting evidence, the clinical significance of this alteration remains unclear.

NM_000294.3(PHKG2):c.639G>T (p.Glu213Asp)

Gene: PHKG2 (phosphorylase kinase catalytic subunit gamma 2; plus strand). Cytogenetic location: 16p11.2.
Variant type: single nucleotide variant.
Coding change: c.639G>T on transcript NM_000294.3 (MANE Select); coding-DNA position 639, G replaced by T.
Protein change: p.Glu213Asp; replaces glutamic acid 213 with aspartic acid.
Molecular consequence: missense variant.
Genome position (GRCh38, 1-based): chr16:30,756,264, G>T. VCF-style: chr16-30756264-G-T. GRCh37 (hg19) VCF-style: chr16-30767585-G-T.
Other names: c.639G>T, p.Glu213Asp (NM_001172432.2); short protein forms E213D.
Identifiers: ClinVar variation 2399337 (VCV002399337.3), dbSNP rs774446283, ClinGen allele CA395658478.